The following is an entry in ClinVar:

NM_003482.4(KMT2D):c.1832C>G (p.Pro611Arg)

Gene: KMT2D (lysine methyltransferase 2D; minus strand). Cytogenetic location: 12q13.12.
Variant type: single nucleotide variant.
Coding change: c.1832C>G on transcript NM_003482.4 (MANE Select); coding-DNA position 1832, C replaced by G.
Protein change: p.Pro611Arg; replaces proline 611 with arginine.
Molecular consequence: missense variant.
Genome position (GRCh38, 1-based): chr12:49,051,851, G>C on the plus strand (C>G on the coding strand, the complement: KMT2D is on the minus strand). VCF-style: chr12-49051851-G-C. GRCh37 (hg19) VCF-style: chr12-49445634-G-C.
Other names: short protein forms P611R.
Identifiers: ClinVar variation 1402062 (VCV001402062.9), dbSNP rs2120677514, ClinGen allele CA384670112.
Genomic context (GRCh38, chr12:49,051,851, plus strand): 5'-TCAGGTGGTGGGGACAGGCGTGATGCCTCAGGTGGTGGGGAAAGGGGAGACTCCTCAGGT[G>C]GAGGGGACAGAGGAGACTCTTCAAATGGTGGGAACAGACGAGATGCCTCCGGTGGTGGAG-3'
Protein context (NP_003473.3, residues 601-621): PPFEESPLSP[Pro611Arg]PEESPLSPPP

ClinVar aggregate classification (germline): Uncertain significance. Review status: criteria provided, multiple submitters, no conflicts (2 of 4 stars). 2 submissions from 2 submitters: Uncertain significance (2). Last evaluated 2024-01-29.

Conditions:
Kabuki syndrome 1 (KABUK1). Also called: KMT2D-Related Kabuki Syndrome. Identifiers: Orphanet 2322, MedGen CN030661, MONDO:0007843, OMIM 147920.
Choanal atresia-athelia-hypothyroidism-delayed puberty-short stature syndrome (BCAHH). Also called: BRANCHIAL ARCH ABNORMALITIES, CHOANAL ATRESIA, ATHELIA, HEARING LOSS, AND HYPOTHYROIDISM SYNDROME. Identifiers: Orphanet 589856, MedGen C5680310, MONDO:0035651, OMIM 620186.
Kabuki syndrome. Also called: NIIKAWA-KUROKI SYNDROME; Kabuki make-up syndrome. Identifiers: Orphanet 2322, MedGen C0796004, MONDO:0016512.

Allele frequency attached by ClinVar (database versions not stated): gnomAD exomes below 0.00001.
gnomAD v4.1: 4 of 1,612,604 alleles (0.00025%); highest among the groups gnomAD compares: Non-Finnish European, 0.00034%; no homozygotes.

Submissions (2):

Fulgent Genetics
Classification: Uncertain significance for Kabuki syndrome 1; Choanal atresia-athelia-hypothyroidism-delayed puberty-short stature syndrome. Last evaluated: 2024-01-29. Review status: criteria provided, single submitter. Criteria: ACMG Guidelines, 2015. Collection method: clinical testing. Allele origin: germline.

Labcorp Genetics (formerly Invitae), Labcorp
Classification: Uncertain significance for Kabuki syndrome. Last evaluated: 2023-10-04. Review status: criteria provided, single submitter. Criteria: Invitae Variant Classification Sherloc (09022015). Collection method: clinical testing. Allele origin: germline.
Comment: This sequence change replaces proline, which is neutral and non-polar, with arginine, which is basic and polar, at codon 611 of the KMT2D protein (p.Pro611Arg). This variant is not present in population databases (gnomAD no frequency). This variant has not been reported in the literature in individuals affected with KMT2D-related conditions. ClinVar contains an entry for this variant (Variation ID: 1402062). Advanced modeling of protein sequence and biophysical properties (such as structural, functional, and spatial information, amino acid conservation, physicochemical variation, residue mobility, and thermodynamic stability) performed at Invitae indicates that this missense variant is not expected to disrupt KMT2D protein function. In summary, the available evidence is currently insufficient to determine the role of this variant in disease. Therefore, it has been classified as a Variant of Uncertain Significance.